The following is an entry in ClinVar:

NM_024642.5(GALNT12):c.542-19G>A

Gene: GALNT12 (polypeptide N-acetylgalactosaminyltransferase 12; plus strand). Cytogenetic location: 9q22.33.
Variant type: single nucleotide variant.
Coding change: c.542-19G>A on transcript NM_024642.5 (MANE Select); 19 bases into the intron before coding-DNA position 542, G replaced by A.
Molecular consequence: intron variant.
Genome position (GRCh38, 1-based): chr9:98,826,733, G>A. VCF-style: chr9-98826733-G-A. GRCh37 (hg19) VCF-style: chr9-101589015-G-A.
Identifiers: ClinVar variation 4876172 (VCV004876172.1).

ClinVar aggregate classification (germline): Likely benign (1 of 4 stars; one submission).

Conditions:
Colorectal cancer, susceptibility to, 1. Also called: COLORECTAL ADENOMA AND CANCER, SUSCEPTIBILITY TO; COLORECTAL CANCER, SUSCEPTIBILITY TO, ON CHROMOSOME 9. Identifiers: MedGen C1837315, MONDO:0012132, OMIM 608812.

gnomAD v4.1: 10 of 1,608,246 alleles (0.00062%); highest among the groups gnomAD compares: Non-Finnish European, 0.00085%; no homozygotes.

Submission:

Myriad Genetics, Inc.
Classification: Likely benign for Colorectal cancer, susceptibility to, 1. Last evaluated: 2026-04-21. Review status: criteria provided, single submitter. Criteria: Myriad Autosomal Dominant, Autosomal Recessive and X-Linked Classification Criteria (2023). Collection method: clinical testing. Allele origin: unknown.
Comment: This variant is considered likely benign. This variant is intronic and is not expected to impact mRNA splicing.